The following is an entry in ClinVar:

NM_004360.5(CDH1):c.2084G>A (p.Cys695Tyr)

Gene: CDH1 (cadherin 1; plus strand). Cytogenetic location: 16q22.1.
Variant type: single nucleotide variant.
Coding change: c.2084G>A on transcript NM_004360.5 (MANE Select); coding-DNA position 2084, G replaced by A.
Protein change: p.Cys695Tyr; replaces cysteine 695 with tyrosine.
Molecular consequence: missense variant.
Genome position (GRCh38, 1-based): chr16:68,823,546, G>A. VCF-style: chr16-68823546-G-A. GRCh37 (hg19) VCF-style: chr16-68857449-G-A.
Other names: c.1901G>A, p.Cys634Tyr (NM_001317184.2); c.536G>A, p.Cys179Tyr (NM_001317185.2); c.119G>A, p.Cys40Tyr (NM_001317186.2); short protein forms C634Y, C40Y, C695Y, C179Y.
Identifiers: ClinVar variation 922071 (VCV000922071.8), dbSNP rs1961233403, ClinGen allele CA396467816.

ClinVar aggregate classification (germline): Uncertain significance. Review status: criteria provided, multiple submitters, no conflicts (2 of 4 stars). 4 submissions from 4 submitters: Uncertain significance (4). Last evaluated 2026-03-25.

Conditions:
Hereditary diffuse gastric adenocarcinoma (HDGC). Also called: DIFFUSE GASTRIC AND LOBULAR BREAST CANCER SYNDROME. Identifiers: Orphanet 26106, MedGen C1708349, MONDO:0007648, OMIM 137215.
Hereditary cancer-predisposing syndrome. Also called: Tumor predisposition; Neoplastic Syndromes, Hereditary; Hereditary Cancer Syndrome; Hereditary neoplastic syndrome. Identifiers: Orphanet 140162, MedGen C0027672, MeSH D009386, MONDO:0015356.

Allele frequency attached by ClinVar (database versions not stated): gnomAD exomes below 0.00001.
gnomAD v4.1: 1 of 1,614,056 alleles (0.000062%); highest among the groups gnomAD compares: Non-Finnish European, 0.000085%; no homozygotes.

Submissions (4):

GeneDx
Classification: Uncertain significance. Last evaluated: 2026-03-25. Review status: criteria provided, single submitter. Criteria: GeneDx Variant Classification Process June 2021. Collection method: clinical testing. Allele origin: germline.
Comment: Not observed at significant frequency in large population cohorts (gnomAD); In silico analysis supports that this missense variant has a deleterious effect on protein structure/function; Has not been previously published as pathogenic or benign to our knowledge; This variant is associated with the following publications: (PMID: 15235021, 22850631)

Labcorp Genetics (formerly Invitae), Labcorp
Classification: Uncertain significance for Hereditary diffuse gastric adenocarcinoma. Last evaluated: 2023-06-30. Review status: criteria provided, single submitter. Criteria: Invitae Variant Classification Sherloc (09022015). Collection method: clinical testing. Allele origin: germline.
Comment: In summary, the available evidence is currently insufficient to determine the role of this variant in disease. Therefore, it has been classified as a Variant of Uncertain Significance. An algorithm developed to predict the effect of missense changes on protein structure and function (PolyPhen-2) suggests that this variant is likely to be disruptive. ClinVar contains an entry for this variant (Variation ID: 922071). This variant has not been reported in the literature in individuals affected with CDH1-related conditions. This variant is not present in population databases (gnomAD no frequency). This sequence change replaces cysteine, which is neutral and slightly polar, with tyrosine, which is neutral and polar, at codon 695 of the CDH1 protein (p.Cys695Tyr).

Ambry Genetics
Classification: Uncertain significance for Hereditary cancer-predisposing syndrome. Last evaluated: 2022-07-22. Review status: criteria provided, single submitter. Criteria: Ambry Variant Classification Scheme 2023. Collection method: clinical testing. Allele origin: germline.
Comment: The p.C695Y variant (also known as c.2084G>A), located in coding exon 13 of the CDH1 gene, results from a G to A substitution at nucleotide position 2084. The cysteine at codon 695 is replaced by tyrosine, an amino acid with highly dissimilar properties. This amino acid position is highly conserved in available vertebrate species. In addition, this alteration is predicted to be deleterious by in silico analysis. Since supporting evidence is limited at this time, the clinical significance of this alteration remains unclear.

Color Diagnostics, LLC DBA Color Health
Classification: Uncertain significance for Hereditary cancer-predisposing syndrome. Last evaluated: 2019-03-13. Review status: criteria provided, single submitter. Criteria: ACMG Guidelines, 2015. Collection method: clinical testing. Allele origin: germline.